The following is an entry in ClinVar:

NM_206933.4(USH2A):c.1486A>C (p.Thr496Pro)

Gene: USH2A (usherin; minus strand). Cytogenetic location: 1q41.
Variant type: single nucleotide variant.
Coding change: c.1486A>C on transcript NM_206933.4 (MANE Select); coding-DNA position 1486, A replaced by C.
Protein change: p.Thr496Pro; replaces threonine 496 with proline.
Molecular consequence: missense variant.
Genome position (GRCh38, 1-based): chr1:216,323,538, T>G on the plus strand (A>C on the coding strand, the complement: USH2A is on the minus strand). VCF-style: chr1-216323538-T-G. GRCh37 (hg19) VCF-style: chr1-216496880-T-G.
Other names: c.1486A>C, p.Thr496Pro (NM_007123.6); short protein forms T496P.
Identifiers: ClinVar variation 48447 (VCV000048447.19), dbSNP rs145114473, ClinGen allele CA143370.

ClinVar aggregate classification (germline): Conflicting classifications of pathogenicity. Review status: criteria provided, conflicting classifications (1 of 4 stars). 5 submissions from 5 submitters: Uncertain significance (3); Likely benign (2). Last evaluated 2026-02-01.

Conditions:
USH2A-related disorder. Also called: USH2A-related disorders; USH2A-related condition. Identifiers: MedGen CN239332.

Allele frequency attached by ClinVar (database versions not stated): ExAC 0.00002; gnomAD exomes 0.00003; gnomAD 0.00014 and 0.00015; TOPMed 0.00016; ESP Exome Variant Server 0.00023.
gnomAD v4.1: 63 of 1,613,440 alleles (0.0039%); highest among the groups gnomAD compares: African/African-American, 0.071%; no homozygotes.

Submissions (5):

Labcorp Genetics (formerly Invitae), Labcorp
Classification: Likely benign. Last evaluated: 2026-02-01. Review status: criteria provided, single submitter. Criteria: Invitae Variant Classification Sherloc (09022015). Collection method: clinical testing. Allele origin: germline.

PreventionGenetics, part of Exact Sciences
Classification: Uncertain significance for USH2A-related condition. Last evaluated: 2025-11-03. Review status: criteria provided, single submitter. Criteria: ACMG Guidelines, 2015. Collection method: clinical testing. Allele origin: germline.
Comment: The USH2A c.1486A>C variant is predicted to result in the amino acid substitution p.Thr496Pro. To our knowledge, this variant has not been reported in the literature. This variant is reported in 0.064% of alleles in individuals of African descent in gnomAD. At this time, the clinical significance of this variant is uncertain due to the absence of conclusive functional and genetic evidence.

GeneDx
Classification: Uncertain significance. Last evaluated: 2024-01-04. Review status: criteria provided, single submitter. Criteria: GeneDx Variant Classification Process June 2021. Collection method: clinical testing. Allele origin: germline. Affected: yes.
Comment: In silico analysis supports that this missense variant does not alter protein structure/function; Has not been previously published as pathogenic or benign to our knowledge

Eurofins Ntd Llc (ga)
Classification: Uncertain significance. Last evaluated: 2016-11-21. Review status: criteria provided, single submitter. Criteria: EGL Classification Definitions 2015. Collection method: clinical testing. Allele origin: germline. Observed: 1 variant allele, 1 heterozygote.

Laboratory for Molecular Medicine, Mass General Brigham Personalized Medicine
Classification: Likely benign. Last evaluated: 2010-09-15. Review status: criteria provided, single submitter. Criteria: LMM Criteria. Collection method: clinical testing. Allele origin: germline. Observed: 1 variant allele.
Comment: Thr496Pro in USH2A: This variant is not expected to have clinical significance b ecause the Thr496 residue is not conserved in mammals and is a proline in lizard .